The following is an entry in ClinVar:

ClinVar aggregate classification (germline): Likely benign (0 of 4 stars; one submission).

Conditions:
C8G-related disorder. Also called: C8G-related condition.

Allele frequency attached by ClinVar (database versions not stated): ESP Exome Variant Server 0.00008; 1000 Genomes Project 30x 0.00016; 1000 Genomes Project 0.00020; ExAC 0.00028; gnomAD 0.00031; TOPMed 0.00036.

Submission:

PreventionGenetics, part of Exact Sciences
Classification: Likely benign for C8G-related condition. Last evaluated: 2019-07-01. Review status: no assertion criteria provided. Collection method: clinical testing. Allele origin: germline.
Comment: This variant is classified as likely benign based on ACMG/AMP sequence variant interpretation guidelines (Richards et al. 2015 PMID: 25741868, with internal and published modifications).

NM_000606.3(C8G):c.453C>T (p.Tyr151=)

Gene: C8G (complement C8 gamma chain; plus strand). Cytogenetic location: 9q34.3.
Variant type: single nucleotide variant.
Coding change: c.453C>T on transcript NM_000606.3 (MANE Select); coding-DNA position 453, C replaced by T.
Protein change: p.Tyr151=; no amino-acid change (tyrosine 151 retained).
Molecular consequence: synonymous variant.
Genome position (GRCh38, 1-based): chr9:136,946,191, C>T. VCF-style: chr9-136946191-C-T. GRCh37 (hg19) VCF-style: chr9-139840643-C-T.
Identifiers: ClinVar variation 3042109 (VCV003042109.2), dbSNP rs41306734, ClinGen allele CA5351661.